The following is an entry in ClinVar:

ClinVar aggregate classification (germline): Uncertain significance. Review status: criteria provided, multiple submitters, no conflicts (2 of 4 stars). 2 submissions from 2 submitters: Uncertain significance (2). Last evaluated 2025-08-27.

Conditions:
Hereditary cancer-predisposing syndrome. Also called: Tumor predisposition; Neoplastic Syndromes, Hereditary; Hereditary Cancer Syndrome; Hereditary neoplastic syndrome. Identifiers: Orphanet 140162, MedGen C0027672, MeSH D009386, MONDO:0015356.
Familial adenomatous polyposis 2. Also called: Adenomas, multiple colorectal; MYH-associated polyposis; COLORECTAL ADENOMATOUS POLYPOSIS, AUTOSOMAL RECESSIVE; ADENOMAS, MULTIPLE COLORECTAL, AUTOSOMAL RECESSIVE; FAP type 2; MUTYH Polyposis. Identifiers: Orphanet 220460, Orphanet 247798, MedGen C3272841, MONDO:0012041, OMIM 608456.

Submissions (2):

Ambry Genetics
Classification: Uncertain significance for Hereditary cancer-predisposing syndrome. Last evaluated: 2025-08-27. Review status: criteria provided, single submitter. Criteria: Ambry Variant Classification Scheme 2023. Collection method: clinical testing. Allele origin: germline.
Comment: The p.I387L variant (also known as c.1159A>C), located in coding exon 12 of the MUTYH gene, results from an A to C substitution at nucleotide position 1159. The isoleucine at codon 387 is replaced by leucine, an amino acid with highly similar properties. This amino acid position is conserved. In addition, this alteration is predicted to be tolerated by in silico analysis. Based on the available evidence, the clinical significance of this variant remains unclear.

Labcorp Genetics (formerly Invitae), Labcorp
Classification: Uncertain significance for Familial adenomatous polyposis 2. Last evaluated: 2022-03-09. Review status: criteria provided, single submitter. Criteria: Invitae Variant Classification Sherloc (09022015). Collection method: clinical testing. Allele origin: germline.
Comment: In summary, the available evidence is currently insufficient to determine the role of this variant in disease. Therefore, it has been classified as a Variant of Uncertain Significance. Algorithms developed to predict the effect of missense changes on protein structure and function output the following: SIFT: "Tolerated"; PolyPhen-2: "Benign"; Align-GVGD: "Class C0". The leucine amino acid residue is found in multiple mammalian species, which suggests that this missense change does not adversely affect protein function. This variant has not been reported in the literature in individuals affected with MUTYH-related conditions. This variant is not present in population databases (gnomAD no frequency). This sequence change replaces isoleucine, which is neutral and non-polar, with leucine, which is neutral and non-polar, at codon 387 of the MUTYH protein (p.Ile387Leu).

NM_001048174.2(MUTYH):c.1075A>C (p.Ile359Leu)

Gene: MUTYH (mutY DNA glycosylase; minus strand). Cytogenetic location: 1p34.1.
Variant type: single nucleotide variant.
Coding change: c.1075A>C on transcript NM_001048174.2 (MANE Select); coding-DNA position 1075, A replaced by C.
Protein change: p.Ile359Leu; replaces isoleucine 359 with leucine.
Molecular consequence: missense variant. On other transcripts: non-coding transcript variant (2).
Genome position (GRCh38, 1-based): chr1:45,331,688, T>G on the plus strand (A>C on the coding strand, the complement: MUTYH is on the minus strand). VCF-style: chr1-45331688-T-G. GRCh37 (hg19) VCF-style: chr1-45797360-T-G.
Other names: c.1159A>C (NM_001128425.1); c.1075A>C, p.Ile359Leu (NM_001048171.2, NM_001048173.2, NM_001293195.2); c.1078A>C, p.Ile360Leu (NM_001048172.2); c.1159A>C, p.Ile387Leu (NM_001128425.2); c.1120A>C, p.Ile374Leu (NM_001293190.2); c.1108A>C, p.Ile370Leu (NM_001293191.2); c.799A>C, p.Ile267Leu (NM_001293192.2, NM_001293196.2); c.730A>C, p.Ile244Leu (NM_001350650.2, NM_001350651.2); and 1 more; short protein forms I384L, I360L, I244L, I359L, I370L, I374L, I387L, I267L.
Identifiers: ClinVar variation 1400442 (VCV001400442.9), dbSNP rs2149125378, ClinGen allele CA340133349.